The following is an entry in ClinVar:

ClinVar aggregate classification (germline): Benign/Likely benign. Review status: criteria provided, multiple submitters, no conflicts (2 of 4 stars). 5 submissions from 5 submitters: Benign (1); Likely benign (3). 1 of the submissions does not count toward it. Last evaluated 2026-01-21.

Conditions:
Lipoic acid synthetase deficiency. Also called: HYPERGLYCINEMIA, LACTIC ACIDOSIS, AND SEIZURES. Identifiers: Orphanet 401859, MedGen C3280887, MONDO:0013762, OMIM 614462.
LIAS-related disorder. Also called: LIAS-related condition.

Allele frequency attached by ClinVar (database versions not stated): ExAC 0.00021; gnomAD exomes 0.00023 and 0.00004; gnomAD 0.00011 and 0.00015; 1000 Genomes Project 30x 0.00016; TOPMed 0.00017; 1000 Genomes Project 0.00020.

Submissions (5):

Labcorp Genetics (formerly Invitae), Labcorp
Classification: Benign for Lipoic acid synthetase deficiency. Last evaluated: 2026-01-21. Review status: criteria provided, single submitter. Criteria: Invitae Variant Classification Sherloc (09022015). Collection method: clinical testing. Allele origin: germline.

CeGaT Center for Human Genetics Tuebingen
Classification: Likely benign. Last evaluated: 2025-10-01. Review status: criteria provided, single submitter. Criteria: CeGaT Center For Human Genetics Tuebingen Variant Classification Criteria Version 2. Collection method: clinical testing. Allele origin: germline. Affected: yes. Observed: 1 variant allele.
Comment: LIAS: BP4, BP7

Blueprint Genetics
Classification: Likely benign. Last evaluated: 2024-10-02. Review status: criteria provided, single submitter. Criteria: ACMG Guidelines, 2015. Collection method: clinical testing. Allele origin: germline.

GeneDx
Classification: Likely benign. Last evaluated: 2020-06-25. Review status: criteria provided, single submitter. Criteria: GeneDx Variant Classification Process June 2021. Collection method: clinical testing. Allele origin: germline. Affected: yes.

PreventionGenetics, part of Exact Sciences
Classification: Likely benign for LIAS-related condition. Last evaluated: 2024-06-15. Review status: no assertion criteria provided. Collection method: clinical testing. Allele origin: germline. Not counted in ClinVar's aggregate classification.
Comment: This variant is classified as likely benign based on ACMG/AMP sequence variant interpretation guidelines (Richards et al. 2015 PMID: 25741868, with internal and published modifications).

NM_006859.4(LIAS):c.726G>A (p.Pro242=)

Gene: LIAS (lipoic acid synthetase; plus strand). Cytogenetic location: 4p14.
Variant type: single nucleotide variant.
Coding change: c.726G>A on transcript NM_006859.4 (MANE Select); coding-DNA position 726, G replaced by A.
Protein change: p.Pro242=; no amino-acid change (proline 242 retained).
Molecular consequence: synonymous variant. On other transcripts: intron variant (1).
Genome position (GRCh38, 1-based): chr4:39,467,635, G>A. VCF-style: chr4-39467635-G-A. GRCh37 (hg19) VCF-style: chr4-39469255-G-A.
Other names: c.417G>A, p.Pro139= (NM_001363700.2); c.726G>A, p.Pro242= (NM_194451.3); c.608+2293G>A (NM_001278590.2).
Identifiers: ClinVar variation 472881 (VCV000472881.22), dbSNP rs371053949, ClinGen allele CA2894744.